The following is an entry in ClinVar:

NM_004736.4(XPR1):c.1514C>T (p.Ser505Leu)

Gene: XPR1 (xenotropic and polytropic retrovirus receptor 1; plus strand). Cytogenetic location: 1q25.3.
Variant type: single nucleotide variant.
Coding change: c.1514C>T on transcript NM_004736.4 (MANE Select); coding-DNA position 1514, C replaced by T.
Protein change: p.Ser505Leu; replaces serine 505 with leucine.
Molecular consequence: missense variant. On other transcripts: non-coding transcript variant (1).
Genome position (GRCh38, 1-based): chr1:180,863,720, C>T. VCF-style: chr1-180863720-C-T. GRCh37 (hg19) VCF-style: chr1-180832856-C-T.
Other names: c.1319C>T, p.Ser440Leu (NM_001135669.2); c.1514C>T (NM_004736.3); short protein forms S440L, S505L.
Identifiers: ClinVar variation 1936449 (VCV001936449.6), dbSNP rs1467919564, ClinGen allele CA343841466.

ClinVar aggregate classification (germline): Uncertain significance. Review status: criteria provided, multiple submitters, no conflicts (2 of 4 stars). 2 submissions from 2 submitters: Uncertain significance (2). Last evaluated 2024-08-05.

Conditions:
Inborn genetic diseases. Identifiers: MedGen C0950123, MeSH D030342.

Allele frequency attached by ClinVar (database versions not stated): gnomAD exomes below 0.00001.
gnomAD v4.1: 5 of 1,581,404 alleles (0.00032%); highest among the groups gnomAD compares: South Asian, 0.0012%; no homozygotes.

Submissions (2):

Ambry Genetics
Classification: Uncertain significance for Inborn genetic diseases. Last evaluated: 2024-08-05. Review status: criteria provided, single submitter. Criteria: Ambry Variant Classification Scheme 2023. Collection method: clinical testing. Allele origin: germline.

Labcorp Genetics (formerly Invitae), Labcorp
Classification: Uncertain significance. Last evaluated: 2022-06-02. Review status: criteria provided, single submitter. Criteria: Invitae Variant Classification Sherloc (09022015). Collection method: clinical testing. Allele origin: germline.
Comment: In summary, the available evidence is currently insufficient to determine the role of this variant in disease. Therefore, it has been classified as a Variant of Uncertain Significance. Algorithms developed to predict the effect of missense changes on protein structure and function (SIFT, PolyPhen-2, Align-GVGD) all suggest that this variant is likely to be tolerated. This variant has not been reported in the literature in individuals affected with XPR1-related conditions. The frequency data for this variant in the population databases is considered unreliable, as metrics indicate poor data quality at this position in the gnomAD database. This sequence change replaces serine, which is neutral and polar, with leucine, which is neutral and non-polar, at codon 505 of the XPR1 protein (p.Ser505Leu).